The following is an entry in ClinVar:

NM_001164508.2(NEB):c.22090G>C (p.Gly7364Arg)

Genes: NEB (nebulin; minus strand), RIF1 (replication timing regulatory factor 1; plus strand). Cytogenetic location: 2q23.3.
Variant type: single nucleotide variant.
Coding change: c.22090G>C on transcript NM_001164508.2 (MANE Select); coding-DNA position 22090, G replaced by C.
Protein change: p.Gly7364Arg; replaces glycine 7364 with arginine.
Molecular consequence: missense variant.
Genome position (GRCh38, 1-based): chr2:151,526,029, C>G on the plus strand (G>C on the coding strand, the complement: NEB is on the minus strand). VCF-style: chr2-151526029-C-G. GRCh37 (hg19) VCF-style: chr2-152382543-C-G.
Other names: c.22090G>C, p.Gly7364Arg (NM_001164507.2); c.22195G>C, p.Gly7399Arg (NM_001271208.2); c.16987G>C, p.Gly5663Arg (NM_004543.5); short protein forms G5663R, G7364R, G7399R.
Identifiers: ClinVar variation 1303357 (VCV001303357.3), dbSNP rs2085588572, ClinGen allele CA348766215.

ClinVar aggregate classification (germline): Uncertain significance. Review status: criteria provided, multiple submitters, no conflicts (2 of 4 stars). 2 submissions from 2 submitters: Uncertain significance (2). Last evaluated 2022-01-27.

Conditions:
Nemaline myopathy 2 (NEM2). Also called: Nemaline myopathy 2, autosomal recessive. Identifiers: MedGen C1850569, MONDO:0009725, OMIM 256030.

Allele frequency attached by ClinVar (database versions not stated): gnomAD exomes below 0.00001.
gnomAD v4.1: 1 of 1,613,988 alleles (0.000062%); highest among the groups gnomAD compares: Admixed American, 0.0017%; no homozygotes.

Submissions (2):

Labcorp Genetics (formerly Invitae), Labcorp
Classification: Uncertain significance for Nemaline myopathy 2. Last evaluated: 2022-01-27. Review status: criteria provided, single submitter. Criteria: Invitae Variant Classification Sherloc (09022015). Collection method: clinical testing. Allele origin: germline.
Comment: This sequence change replaces glycine, which is neutral and non-polar, with arginine, which is basic and polar, at codon 7399 of the NEB protein (p.Gly7399Arg). This variant is not present in population databases (gnomAD no frequency). This variant has not been reported in the literature in individuals affected with NEB-related conditions. ClinVar contains an entry for this variant (Variation ID: 1303357). Algorithms developed to predict the effect of missense changes on protein structure and function are either unavailable or do not agree on the potential impact of this missense change (SIFT: "Deleterious"; PolyPhen-2: "Not Available"; Align-GVGD: "Class C0"). In summary, the available evidence is currently insufficient to determine the role of this variant in disease. Therefore, it has been classified as a Variant of Uncertain Significance.

GeneDx
Classification: Uncertain significance. Last evaluated: 2021-10-23. Review status: criteria provided, single submitter. Criteria: GeneDx Variant Classification Process June 2021. Collection method: clinical testing. Allele origin: germline. Affected: yes.
Comment: Not observed at significant frequency in large population cohorts (Lek et al., 2016); In silico analysis supports that this missense variant has a deleterious effect on protein structure/function; Has not been previously published as pathogenic or benign to our knowledge